The following is an entry in ClinVar:

ClinVar aggregate classification (germline): Uncertain significance. Review status: criteria provided, multiple submitters, no conflicts (2 of 4 stars). 2 submissions from 2 submitters: Uncertain significance (2). Last evaluated 2024-10-07.

Conditions:
Cardiovascular phenotype. Identifiers: MedGen CN230736.
Long QT syndrome (LQTS). Identifiers: MedGen C0023976, MeSH D008133, MONDO:0002442. Disease mechanism: loss of function. Inheritance: Various modes of inheritance.

gnomAD v4.1: 1 of 1,605,444 alleles (0.000062%); no homozygotes.

Submissions (2):

Ambry Genetics
Classification: Uncertain significance for Cardiovascular phenotype. Last evaluated: 2024-10-07. Review status: criteria provided, single submitter. Criteria: Ambry Variant Classification Scheme 2023. Collection method: clinical testing. Allele origin: germline.
Comment: The c.238G>T (p.A80S) alteration is located in exon 2 (coding exon 2) of the KCNH2 gene. This alteration results from a G to T substitution at nucleotide position 238, causing the alanine (A) at amino acid position 80 to be replaced by a serine (S). This variant was not reported in population-based cohorts in the Genome Aggregation Database (gnomAD). This amino acid position is highly conserved in available vertebrate species. The in silico prediction for this alteration is inconclusive. Based on insufficient or conflicting evidence, the clinical significance of this alteration remains unclear.

Labcorp Genetics (formerly Invitae), Labcorp
Classification: Uncertain significance for Long QT syndrome. Last evaluated: 2024-09-21. Review status: criteria provided, single submitter. Criteria: Invitae Variant Classification Sherloc (09022015). Collection method: clinical testing. Allele origin: germline.
Comment: This sequence change replaces alanine, which is neutral and non-polar, with serine, which is neutral and polar, at codon 80 of the KCNH2 protein (p.Ala80Ser). This variant is not present in population databases (gnomAD no frequency). This variant has not been reported in the literature in individuals affected with KCNH2-related conditions. An algorithm developed to predict the effect of missense changes on protein structure and function (PolyPhen-2) suggests that this variant is likely to be tolerated. In summary, the available evidence is currently insufficient to determine the role of this variant in disease. Therefore, it has been classified as a Variant of Uncertain Significance.

NM_000238.4(KCNH2):c.238G>T (p.Ala80Ser)

Gene: KCNH2 (potassium voltage-gated channel subfamily H member 2; minus strand). Cytogenetic location: 7q36.1.
Variant type: single nucleotide variant.
Coding change: c.238G>T on transcript NM_000238.4 (MANE Select); coding-DNA position 238, G replaced by T.
Protein change: p.Ala80Ser; replaces alanine 80 with serine.
Molecular consequence: missense variant. On other transcripts: non-coding transcript variant (1).
Genome position (GRCh38, 1-based): chr7:150,974,780, C>A on the plus strand (G>T on the coding strand, the complement: KCNH2 is on the minus strand). VCF-style: chr7-150974780-C-A. GRCh37 (hg19) VCF-style: chr7-150671868-C-A.
Other names: c.61G>T, p.Ala21Ser (NM_001406755.1); c.238G>T, p.Ala80Ser (NM_172056.3); short protein forms A21S, A80S.
Identifiers: ClinVar variation 2890968 (VCV002890968.4), dbSNP rs199473037, ClinGen allele CA369865509.